The following is an entry in ClinVar:

NM_000288.4(PEX7):c.13_19dup (p.Gly7fs)

Gene: PEX7 (peroxisomal biogenesis factor 7; plus strand). Cytogenetic location: 6q23.3.
Variant type: Microsatellite.
Coding change: c.13_19dup on transcript NM_000288.4 (MANE Select); coding-DNA positions 13 to 19, 7 bases duplicated (TGCGGTG; older notation c.13_19dupTGCGGTG).
Protein change: p.Gly7fs; shifts the reading frame from glycine 7.
Molecular consequence: frameshift variant.
Genome position (GRCh38, 1-based): chr6:136,822,678-136,822,684, TGCGGTG duplicated; duplicating any 7 consecutive bases within chr6:136,822,670-136,822,684 gives the same sequence; the c. name uses the placement nearest the transcript's 3' end. VCF-style (leftmost placement, unchanged base first): chr6-136822669-A-AGTGCGGT. GRCh37 (hg19) VCF-style: chr6-137143807-A-AGTGCGGT.
Other names: c.12_18dupGTGCGGT (NM_000288.3); short protein forms G7fs.
Identifiers: ClinVar variation 370629 (VCV000370629.22), dbSNP rs62636519, ClinGen allele CA119077.

ClinVar aggregate classification (germline): Pathogenic. Review status: criteria provided, multiple submitters, no conflicts (2 of 4 stars). 9 submissions from 8 submitters: Pathogenic (6). 3 of the submissions do not count toward it. Last evaluated 2026-06-23.

Conditions:
Rhizomelic chondrodysplasia punctata (RCDP). Identifiers: Orphanet 177, MedGen C0282529, MONDO:0015776. Disease mechanism: loss of function.
Peroxisome biogenesis disorder 9B. Also called: PEX7-Related Refsum Disease; Refsum disease, adult, 2; PEROXISOME BIOGENESIS DISORDER, PEX7-RELATED, ATYPICAL. Identifiers: Orphanet 773, MedGen C2749346, MONDO:0013945, OMIM 614879.
PEX7-related disorder. Also called: PEX7-related condition; PEX7-related disorders. Identifiers: MedGen CN239409.
Rhizomelic chondrodysplasia punctata type 1 (RCDP1). Also called: CHONDRODYSTROPHIA CALCIFICANS PUNCTATA; PEX7-Related Rhizomelic Chondrodysplasia Punctata; PEROXISOME BIOGENESIS DISORDER 9. Identifiers: Orphanet 177, Orphanet 309789, MedGen C1859133, MONDO:0008972, OMIM 215100. Disease mechanism: loss of function.

Submissions (9):

PreventionGenetics, part of Exact Sciences
Classification: Pathogenic for PEX7-related condition. Last evaluated: 2026-06-23. Review status: criteria provided, single submitter. Criteria: ACMG Guidelines, 2015. Collection method: clinical testing. Allele origin: germline.
Comment: The PEX7 c.13_19dup7 variant is predicted to result in a frameshift and premature protein termination (p.Gly7Valfs*51). This variant has been reported in the compound heterozygous state in an individual with Refsum disease (van den Brink et al. 2003. PubMed ID: 12522768). This variant is reported in 0.0073% of alleles in individuals of African descent in gnomAD. Frameshift variants in PEX7 are expected to be pathogenic. This variant is interpreted as pathogenic.

Natera, Inc.
Classification: Pathogenic for Rhizomelic Chondrodysplasia Punctata. Last evaluated: 2025-09-05. Review status: criteria provided, single submitter. Criteria: Natera Variant Classification Schema (03/2026). Collection method: clinical testing. Allele origin: germline.
Comment: The c.13_19dupTGCGGTG variant in PEX7 is a frameshift variant predicted to shift the reading frame beginning at codon 7 and leads to a stop codon 51 codons downstream. This variant is expected to result in nonsense mediated decay, truncation, or a dysfunctional protein product. This variant is rare in the general population with a frequency below the threshold expected for the associated phenotype(s). This variant has been observed in one or more individuals affected with the associated recessive disease, as either homozygous or compound heterozygous with a second variant (PMID: 12522768). Given the available evidence, this variant is classified as Pathogenic.

Labcorp Genetics (formerly Invitae), Labcorp
Classification: Pathogenic for Peroxisome biogenesis disorder 9B. Last evaluated: 2025-02-03. Review status: criteria provided, single submitter. Criteria: Invitae Variant Classification Sherloc (09022015). Collection method: clinical testing. Allele origin: germline.
Comment: This sequence change creates a premature translational stop signal (p.Gly7Valfs*51) in the PEX7 gene. It is expected to result in an absent or disrupted protein product. Loss-of-function variants in PEX7 are known to be pathogenic (PMID: 12325024, 12522768, 20301447). This variant is present in population databases (rs62636519, gnomAD 0.007%). This premature translational stop signal has been observed in individual(s) with Refsum disease (PMID: 12522768). For these reasons, this variant has been classified as Pathogenic.

Baylor Genetics
Classification: Pathogenic for Peroxisome biogenesis disorder 9B. Last evaluated: 2024-03-26. Review status: criteria provided, single submitter. Criteria: ACMG Guidelines, 2015. Collection method: clinical testing. Allele origin: unknown.

Women's Health and Genetics/Laboratory Corporation of America, LabCorp
Classification: Pathogenic for Rhizomelic chondrodysplasia punctata type 1. Last evaluated: 2021-09-13. Review status: criteria provided, single submitter. Criteria: LabCorp Variant Classification Summary - May 2015. Collection method: clinical testing. Allele origin: germline.
Comment: Variant summary: PEX7 c.13_19dupTGCGGTG (p.Gly7ValfsX51) results in a premature termination codon, predicted to cause a truncation of the encoded protein or absence of the protein due to nonsense mediated decay, which are commonly known mechanisms for disease. Truncations downstream of this position have been classified as pathogenic by our laboratory. The variant allele was found at a frequency of 8.1e-06 in 124026 control chromosomes. c.13_19dupTGCGGTG has been reported in the literature as a compound heterozygous genotype in at-least one individual affected with Refsum disease (Rhizomelic Chondrodysplasia Punctata Type 1) and has been subsequently cited by others (example, van den Brink_2003, Jansen_2004, Nanetti_2015). To our knowledge, no variant specific experimental evidence demonstrating an impact on protein function has been reported, although the reported compound heterozygous patient had defects not only in phytanic acid alpha-oxidation but also in plasmalogen synthesis and peroxisomal thiolase. Two clinical diagnostic laboratories have submitted clinical-significance assessments for this variant to ClinVar after 2014 without evidence for independent evaluation. All laboratories classified the variant as pathogenic/likely pathogenic. Based on the evidence outlined above, the variant was classified as pathogenic.

Baylor Genetics
Classification: Pathogenic for Rhizomelic chondrodysplasia punctata type 1. Review status: criteria provided, single submitter. Criteria: ACMG Guidelines, 2015. Collection method: clinical testing. Allele origin: germline.

Counsyl
Classification: Likely pathogenic for Rhizomelic chondrodysplasia punctata type 1. Last evaluated: 2016-03-14. Review status: no assertion criteria provided. Collection method: clinical testing. Allele origin: unknown. Not counted in ClinVar's aggregate classification.

OMIM
Classification: Pathogenic for PEROXISOME BIOGENESIS DISORDER 9B. Last evaluated: 2003-02-01. Review status: no assertion criteria provided. Collection method: literature only. Allele origin: germline. Not counted in ClinVar's aggregate classification.

GeneReviews
No classification provided. Condition: Rhizomelic chondrodysplasia punctata type 1. Review status: no classification provided. Collection method: literature only. Allele origin: unknown. Not counted in ClinVar's aggregate classification.

Literature cited by the submitters: PubMed 12522768 (cited by 5 submitters); PubMed 12325024 (cited by Labcorp Genetics (formerly Invitae), Labcorp); PubMed 20301447 (cited by Labcorp Genetics (formerly Invitae), Labcorp and GeneReviews); PubMed 14974078 (cited by Women's Health and Genetics/Laboratory Corporation of America, LabCorp); PubMed 25851898 (cited by Women's Health and Genetics/Laboratory Corporation of America, LabCorp); NCBI Bookshelf NBK1270 (cited by GeneReviews).